The following is an entry in ClinVar:

ClinVar aggregate classification (germline): Uncertain significance (1 of 4 stars; one submission).

gnomAD v4.1: 3 of 1,495,450 alleles (0.0002%); highest among the groups gnomAD compares: Non-Finnish European, 0.00027%; no homozygotes.

Submission:

Labcorp Genetics (formerly Invitae), Labcorp
Classification: Uncertain significance. Last evaluated: 2023-09-20. Review status: criteria provided, single submitter. Criteria: Invitae Variant Classification Sherloc (09022015). Collection method: clinical testing. Allele origin: germline.
Comment: This sequence change replaces alanine, which is neutral and non-polar, with threonine, which is neutral and polar, at codon 114 of the MESP1 protein (p.Ala114Thr). This variant is not present in population databases (gnomAD no frequency). This variant has not been reported in the literature in individuals affected with MESP1-related conditions. An algorithm developed to predict the effect of missense changes on protein structure and function (PolyPhen-2) suggests that this variant is likely to be disruptive. In summary, the available evidence is currently insufficient to determine the role of this variant in disease. Therefore, it has been classified as a Variant of Uncertain Significance.

NM_018670.4(MESP1):c.340G>A (p.Ala114Thr)

Genes: MESP1 (mesoderm posterior bHLH transcription factor 1; minus strand), LOC130057889 (ATAC-STARR-seq lymphoblastoid silent region 6804; plus strand). Cytogenetic location: 15q26.1.
Variant type: single nucleotide variant.
Coding change: c.340G>A on transcript NM_018670.4 (MANE Select); coding-DNA position 340, G replaced by A.
Protein change: p.Ala114Thr; replaces alanine 114 with threonine.
Molecular consequence: missense variant.
Genome position (GRCh38, 1-based): chr15:89,750,892, C>T on the plus strand (G>A on the coding strand, the complement: MESP1 is on the minus strand). VCF-style: chr15-89750892-C-T. GRCh37 (hg19) VCF-style: chr15-90294123-C-T.
Other names: short protein forms A114T.
Identifiers: ClinVar variation 3012721 (VCV003012721.3), dbSNP rs1968079713, ClinGen allele CA393788081.